The following is an entry in ClinVar:

ClinVar aggregate classification (germline): Uncertain significance (1 of 4 stars; one submission).

Submission:

Labcorp Genetics (formerly Invitae), Labcorp
Classification: Uncertain significance. Last evaluated: 2025-03-17. Review status: criteria provided, single submitter. Criteria: Invitae Variant Classification Sherloc (09022015). Collection method: clinical testing. Allele origin: germline.
Comment: This sequence change replaces leucine, which is neutral and non-polar, with arginine, which is basic and polar, at codon 499 of the SLC26A4 protein (p.Leu499Arg). This variant is not present in population databases (gnomAD no frequency). This missense change has been observed in individual(s) with deafness (internal data). Invitae Evidence Modeling of protein sequence and biophysical properties (such as structural, functional, and spatial information, amino acid conservation, physicochemical variation, residue mobility, and thermodynamic stability) indicates that this missense variant is expected to disrupt SLC26A4 protein function with a positive predictive value of 95%. In summary, the available evidence is currently insufficient to determine the role of this variant in disease. Therefore, it has been classified as a Variant of Uncertain Significance.

NM_000441.2(SLC26A4):c.1496T>G (p.Leu499Arg)

Gene: SLC26A4 (solute carrier family 26 member 4; plus strand). Cytogenetic location: 7q22.3.
Variant type: single nucleotide variant.
Coding change: c.1496T>G on transcript NM_000441.2 (MANE Select); coding-DNA position 1496, T replaced by G.
Protein change: p.Leu499Arg; replaces leucine 499 with arginine.
Molecular consequence: missense variant.
Genome position (GRCh38, 1-based): chr7:107,695,991, T>G. VCF-style: chr7-107695991-T-G. GRCh37 (hg19) VCF-style: chr7-107336436-T-G.
Other names: short protein forms L499R.
Identifiers: ClinVar variation 3608319 (VCV003608319.2).